The following is an entry in ClinVar:

ClinVar aggregate classification (germline): Uncertain significance (1 of 4 stars; one submission).

Conditions:
Renal-hepatic-pancreatic dysplasia 2 (RHPD2). Identifiers: MedGen C3809434, MONDO:0014174, OMIM 615415.

Submission:

Laboratorio de Genetica e Diagnostico Molecular, Hospital Israelita Albert Einstein
Classification: Uncertain significance for Renal-hepatic-pancreatic dysplasia 2. Last evaluated: 2021-07-27. Review status: criteria provided, single submitter. Criteria: ACMG Guidelines, 2015. Collection method: clinical testing. Allele origin: germline. Affected: yes.
Comment: ACMG classification criteria: PM2 moderate, PM4 moderate

NM_178170.3(NEK8):c.301GAG[2] (p.Glu103del)

Gene: NEK8 (NIMA related kinase 8; plus strand). Cytogenetic location: 17q11.2.
Variant type: Microsatellite.
Coding change: c.301GAG[2] on transcript NM_178170.3 (MANE Select); two copies in a row of the 3-base unit GAG starting at c.301; the reference has three copies in a row; one copy, 3 bases deleted; also written c.307_309del.
Protein change: p.Glu103del; deletes glutamic acid 103.
Molecular consequence: inframe deletion.
Genome position (GRCh38, 1-based): chr17:28,734,825-28,734,827, GAG deleted; deleting any 3 consecutive bases within chr17:28,734,818-28,734,827 gives the same sequence; the position shown is the placement nearest the transcript's 3' end. VCF-style (leftmost placement, unchanged base first): chr17-28734817-TGGA-T. GRCh37 (hg19) VCF-style: chr17-27061835-TGGA-T.
Other names: c.307_309del (NM_178170.3); short protein forms E103del.
Identifiers: ClinVar variation 1683754 (VCV001683754.2), dbSNP rs2034346766, ClinGen allele CA2254442027.